The following is an entry in ClinVar:

ClinVar aggregate classification (germline): Uncertain significance. Review status: criteria provided, multiple submitters, no conflicts (2 of 4 stars). 2 submissions from 2 submitters: Uncertain significance (2). Last evaluated 2025-07-25.

Conditions:
Catecholaminergic polymorphic ventricular tachycardia 1. Also called: RYR2-Related Catecholaminergic Polymorphic Ventricular Tachycardia; VENTRICULAR TACHYCARDIA, CATECHOLAMINERGIC POLYMORPHIC, 1, WITH OR WITHOUT ATRIAL DYSFUNCTION AND/OR DILATED CARDIOMYOPATHY; VENTRICULAR TACHYCARDIA, STRESS-INDUCED POLYMORPHIC 1. Identifiers: Orphanet 3286, MedGen C1631597, MONDO:0011484, OMIM 604772.

Allele frequency attached by ClinVar (database versions not stated): gnomAD 0.00001.
gnomAD v4.1: 3 of 1,607,956 alleles (0.00019%); highest among the groups gnomAD compares: African/African-American, 0.0013%; no homozygotes.

Submissions (2):

GeneDx
Classification: Uncertain significance. Last evaluated: 2025-07-25. Review status: criteria provided, single submitter. Criteria: GeneDx Variant Classification Process June 2021. Collection method: clinical testing. Allele origin: germline. Affected: yes.
Comment: Not observed at significant frequency in large population cohorts (gnomAD); In silico analysis suggests that this missense variant does not alter protein structure/function; Has not been previously published as pathogenic or benign to our knowledge; Located in one of the three hot-spot regions of the RYR2 gene, where the majority of pathogenic missense variants occur (PMID: 19926015); This variant is associated with the following publications: (PMID: 19926015)

Labcorp Genetics (formerly Invitae), Labcorp
Classification: Uncertain significance for Catecholaminergic polymorphic ventricular tachycardia 1. Last evaluated: 2022-06-13. Review status: criteria provided, single submitter. Criteria: Invitae Variant Classification Sherloc (09022015). Collection method: clinical testing. Allele origin: germline.
Comment: This variant has not been reported in the literature in individuals affected with RYR2-related conditions. This variant is not present in population databases (gnomAD no frequency). This sequence change replaces alanine, which is neutral and non-polar, with threonine, which is neutral and polar, at codon 4332 of the RYR2 protein (p.Ala4332Thr). In summary, the available evidence is currently insufficient to determine the role of this variant in disease. Therefore, it has been classified as a Variant of Uncertain Significance. Advanced modeling of protein sequence and biophysical properties (such as structural, functional, and spatial information, amino acid conservation, physicochemical variation, residue mobility, and thermodynamic stability) performed at Invitae indicates that this missense variant is expected to disrupt RYR2 protein function.

NM_001035.3(RYR2):c.12994G>A (p.Ala4332Thr)

Genes: RYR2 (ryanodine receptor 2; plus strand), LOC126806068 (BRD4-independent group 4 enhancer GRCh37_chr1:237947411-237948610; plus strand). Cytogenetic location: 1q43.
Variant type: single nucleotide variant.
Coding change: c.12994G>A on transcript NM_001035.3 (MANE Select); coding-DNA position 12994, G replaced by A.
Protein change: p.Ala4332Thr; replaces alanine 4332 with threonine.
Molecular consequence: missense variant.
Genome position (GRCh38, 1-based): chr1:237,784,706, G>A. VCF-style: chr1-237784706-G-A. GRCh37 (hg19) VCF-style: chr1-237948006-G-A.
Other names: c.12994G>A (NM_001035.2); short protein forms A4332T.
Identifiers: ClinVar variation 1361823 (VCV001361823.10), dbSNP rs1695407325, ClinGen allele CA345414962.